The following is an entry in ClinVar:

NM_152564.5(VPS13B):c.4746-14C>T

Gene: VPS13B (vacuolar protein sorting 13 homolog B; plus strand). Cytogenetic location: 8q22.2.
Variant type: single nucleotide variant.
Coding change: c.4746-14C>T on transcript NM_152564.5 (MANE Select); 14 bases into the intron before coding-DNA position 4746, C replaced by T.
Molecular consequence: intron variant.
Genome position (GRCh38, 1-based): chr8:99,556,436, C>T. VCF-style: chr8-99556436-C-T. GRCh37 (hg19) VCF-style: chr8-100568664-C-T.
Other names: c.4821-14C>T (NM_017890.5).
Identifiers: ClinVar variation 522192 (VCV000522192.56), dbSNP rs112780006, ClinGen allele CA4823651.
Genomic context (GRCh38, chr8:99,556,436, plus strand): 5'-AACAAAATAAACATAGAATGGTTATTTTATCTGTTTTCTTGTTTTTATTTTTGTTTTTTT[C>T]GCTGCCTTTACAGGAGAGCCTTGAACTTAGGAATTCTTCGAGATCCTGGATCAGAAATCG-3'

ClinVar aggregate classification (germline): Benign/Likely benign. Review status: criteria provided, multiple submitters, no conflicts (2 of 4 stars). 6 submissions from 6 submitters: Benign (2); Likely benign (4). Last evaluated 2026-04-20.

Conditions:
Cohen syndrome (COH1). Also called: PEPPER SYNDROME; Cutis verticis gyrata, retinitis pigmentosa, and sensorineural deafness. Identifiers: Orphanet 193, MedGen C0265223, MONDO:0008999, OMIM 216550.

Allele frequency attached by ClinVar (database versions not stated): 1000 Genomes Project 0.00080; 1000 Genomes Project 30x 0.00094; gnomAD exomes 0.00185; ExAC 0.00192; TOPMed 0.00200; gnomAD 0.00205 and 0.00212; ESP Exome Variant Server 0.00254.
gnomAD v4.1: 5,159 of 1,610,682 alleles (0.32%); highest among the groups gnomAD compares: Non-Finnish European, 0.41%; 15 homozygotes.

Submissions (7):

Women's Health and Genetics/Laboratory Corporation of America, LabCorp
Classification: Likely benign. Last evaluated: 2026-04-20. Review status: criteria provided, single submitter. Criteria: LabCorp Variant Classification Summary - May 2015. Collection method: clinical testing. Allele origin: germline.

Labcorp Genetics (formerly Invitae), Labcorp
Classification: Benign for Cohen syndrome. Last evaluated: 2026-02-01. Review status: criteria provided, single submitter. Criteria: Invitae Variant Classification Sherloc (09022015). Collection method: clinical testing. Allele origin: germline.

Blueprint Genetics
Classification: Likely benign. Last evaluated: 2024-11-17. Review status: criteria provided, single submitter. Criteria: ACMG Guidelines, 2015. Collection method: clinical testing. Allele origin: germline.

Illumina Laboratory Services, Illumina
Classification: Likely benign for Cohen syndrome. Last evaluated: 2018-01-13. Review status: criteria provided, single submitter. Criteria: ICSL Variant Classification Criteria 13 December 2019. Collection method: clinical testing. Allele origin: germline.
Comment: This variant was observed in the ICSL laboratory as part of a predisposition screen in an ostensibly healthy population. It had not been previously curated by ICSL or reported in the Human Gene Mutation Database (HGMD: prior to June 1st, 2018), and was therefore a candidate for classification through an automated scoring system. Utilizing variant allele frequency, disease prevalence and penetrance estimates, and inheritance mode, an automated score was calculated to assess if this variant is too frequent to cause the disease. Based on the score and internal cut-off values, a variant classified as likely benign is not then subjected to further curation. The score for this variant resulted in a classification of likely benign for this disease.

Clinical Genetics DNA and cytogenetics Diagnostics Lab, Erasmus MC, Erasmus Medical Center
Classification: Likely benign for Cohen syndrome. Last evaluated: 2015-09-21. Review status: criteria provided, single submitter. Criteria: ACGS Guidelines, 2013. Collection method: clinical testing. Allele origin: germline. Affected: yes. Study: VKGL Data-share Consensus.

Genome Diagnostics Laboratory, University Medical Center Utrecht
Classification: Benign for Cohen syndrome. Last evaluated: 2014-10-09. Review status: criteria provided, single submitter. Criteria: ACGS Guidelines, 2013. Collection method: clinical testing. Allele origin: germline. Affected: yes. Study: VKGL Data-share Consensus.

Dr. Peter K. Rogan Lab, Western University
No classification provided (evidence only). Condition: Cervical cancer. Review status: no classification provided. Collection method: in vitro. Allele origin: not applicable. Functional consequence: retained intron. Not counted in ClinVar's aggregate classification.